The following is an entry in ClinVar:

NM_001369268.1(ACAN):c.565C>T (p.Gln189Ter)

Gene: ACAN (aggrecan; plus strand). Cytogenetic location: 15q26.1.
Variant type: single nucleotide variant.
Coding change: c.565C>T on transcript NM_001369268.1 (MANE Select); coding-DNA position 565, C replaced by T.
Protein change: p.Gln189Ter; replaces glutamine 189 with a stop codon.
Molecular consequence: nonsense.
Genome position (GRCh38, 1-based): chr15:88,840,122, C>T. VCF-style: chr15-88840122-C-T. GRCh37 (hg19) VCF-style: chr15-89383353-C-T.
Other names: c.565C>T, p.Gln189Ter (NM_001135.4, NM_001411096.1, NM_001411097.1 and 1 more transcripts); short protein forms Q189*.
Identifiers: ClinVar variation 2844994 (VCV002844994.3), dbSNP rs2505230922, ClinGen allele CA393717104.

ClinVar aggregate classification (germline): Pathogenic (1 of 4 stars; one submission).

Submission:

Labcorp Genetics (formerly Invitae), Labcorp
Classification: Pathogenic. Last evaluated: 2023-07-16. Review status: criteria provided, single submitter. Criteria: Invitae Variant Classification Sherloc (09022015). Collection method: clinical testing. Allele origin: germline.
Comment: For these reasons, this variant has been classified as Pathogenic. This variant has not been reported in the literature in individuals affected with ACAN-related conditions. This variant is not present in population databases (gnomAD no frequency). This sequence change creates a premature translational stop signal (p.Gln189*) in the ACAN gene. It is expected to result in an absent or disrupted protein product. Loss-of-function variants in ACAN are known to be pathogenic (PMID: 16080123, 24762113).

Literature cited by the submitters: PubMed 16080123; PubMed 24762113.